The following is an entry in ClinVar:

ClinVar aggregate classification (germline): Benign. Review status: criteria provided, multiple submitters, no conflicts (2 of 4 stars). 7 submissions from 7 submitters: Benign (7). Last evaluated 2026-02-03.

Conditions:
Emery-Dreifuss muscular dystrophy 5, autosomal dominant (EDMD5). Also called: EMERY-DREIFUSS MUSCULAR DYSTROPHY 5. Identifiers: Orphanet 261, MedGen C2751805, MONDO:0013072, OMIM 612999.

Allele frequency attached by ClinVar (database versions not stated): 1000 Genomes Project 30x 0.66911; 1000 Genomes Project 0.67891; TOPMed 0.71220; gnomAD 0.72634 and 0.73268; ESP Exome Variant Server 0.74061; ExAC 0.81178; gnomAD exomes 0.81638.

Submissions (7):

Labcorp Genetics (formerly Invitae), Labcorp
Classification: Benign for Emery-Dreifuss muscular dystrophy 5, autosomal dominant. Last evaluated: 2026-02-03. Review status: criteria provided, single submitter. Criteria: Invitae Variant Classification Sherloc (09022015). Collection method: clinical testing. Allele origin: germline.

Genome-Nilou Lab
Classification: Benign for Emery-Dreifuss muscular dystrophy 5, autosomal dominant. Last evaluated: 2021-07-15. Review status: criteria provided, single submitter. Criteria: ACMG Guidelines, 2015. Collection method: clinical testing. Allele origin: germline. Affected: no.

Athena Diagnostics
Classification: Benign. Last evaluated: 2018-12-14. Review status: criteria provided, single submitter. Criteria: Athena Diagnostics Criteria. Collection method: clinical testing. Allele origin: germline.

GeneDx
Classification: Benign. Last evaluated: 2018-07-09. Review status: criteria provided, single submitter. Criteria: GeneDx Variant Classification Process June 2021. Collection method: clinical testing. Allele origin: germline. Affected: yes.

Illumina Laboratory Services, Illumina
Classification: Benign for Emery-Dreifuss muscular dystrophy 5, autosomal dominant. Last evaluated: 2018-01-13. Review status: criteria provided, single submitter. Criteria: ICSL Variant Classification Criteria 13 December 2019. Collection method: clinical testing. Allele origin: germline.
Comment: This variant was observed in the ICSL laboratory as part of a predisposition screen in an ostensibly healthy population. It had not been previously curated by ICSL or reported in the Human Gene Mutation Database (HGMD: prior to June 1st, 2018), and was therefore a candidate for classification through an automated scoring system. Utilizing variant allele frequency, disease prevalence and penetrance estimates, and inheritance mode, an automated score was calculated to assess if this variant is too frequent to cause the disease. Based on the score and internal cut-off values, a variant classified as benign is not then subjected to further curation. The score for this variant resulted in a classification of benign for this disease.

Genetic Services Laboratory, University of Chicago
Classification: Benign for AllHighlyPenetrant. Last evaluated: 2013-08-15. Review status: criteria provided, single submitter. Criteria: ACMG Guidelines, 2007. Collection method: clinical testing. Allele origin: germline. Inheritance: Autosomal dominant inheritance.

Breakthrough Genomics
Classification: Benign. Review status: criteria provided, single submitter. Criteria: ACMG Guidelines, 2015. Collection method: not provided. Allele origin: germline. Inheritance: Autosomal dominant inheritance. Affected: yes.

NM_182914.3(SYNE2):c.5906T>C (p.Met1969Thr)

Gene: SYNE2 (spectrin repeat containing nuclear envelope protein 2; plus strand). Cytogenetic location: 14q23.2.
Variant type: single nucleotide variant.
Coding change: c.5906T>C on transcript NM_182914.3 (MANE Select); coding-DNA position 5906, T replaced by C.
Protein change: p.Met1969Thr; replaces methionine 1969 with threonine.
Molecular consequence: missense variant.
Genome position (GRCh38, 1-based): chr14:64,024,977, T>C. VCF-style: chr14-64024977-T-C. GRCh37 (hg19) VCF-style: chr14-64491695-T-C.
Other names: c.5906T>C, p.Met1969Thr (NM_015180.6); short protein forms M1969T.
Identifiers: ClinVar variation 130501 (VCV000130501.22), dbSNP rs4902264, ClinGen allele CA155586.